The following is an entry in ClinVar:

ClinVar aggregate classification (germline): Likely pathogenic (1 of 4 stars; one submission).

Conditions:
Cerebral cavernous malformation (CCM). Also called: Cerebral cavernous hemangioma (type); Cavernous Hemangioma of Brain; CAVERNOUS ANGIOMA, FAMILIAL; CAVERNOUS ANGIOMATOUS MALFORMATIONS; CEREBRAL CAPILLARY MALFORMATIONS; Cerebral cavernous malformations. Identifiers: Orphanet 221061, MedGen C2919945, MONDO:0000820, OMIM 116860, HP:0033522.

Submission:

Labcorp Genetics (formerly Invitae), Labcorp
Classification: Likely pathogenic for Cerebral cavernous malformation. Last evaluated: 2023-12-19. Review status: criteria provided, single submitter. Criteria: Invitae Variant Classification Sherloc (09022015). Collection method: clinical testing. Allele origin: unknown.
Comment: This variant is a gross deletion of the genomic region encompassing exon(s) 16-18 of the KRIT1 gene. This variant would be expected to be in-frame, preserving the integrity of the reading frame. A similar copy number variant has been observed in individual(s) with cerebral cavernous malformations (Invitae). This variant disrupts a region of the KRIT1 protein in which other variant(s) (p.Glu534Lys, p.Ser592Thr, p.Ala648Val) have been observed in individuals with KRIT1-related conditions (PMID: 12404106, 24466005; Invitae). This suggests that this is a clinically significant region of the protein, and that variants that disrupt it are likely to be disease-causing. In summary, the currently available evidence indicates that the variant is pathogenic, but additional data are needed to prove that conclusively. Therefore, this variant has been classified as Likely Pathogenic.

Literature cited by the submitters: PubMed 12404106; PubMed 24466005.

NC_000007.13:g.(?_91842489)_(91844111_?)del

Gene: KRIT1 (KRIT1 ankyrin repeat containing; minus strand). Cytogenetic location: 7q21.2.
Variant type: Deletion.
Identifiers: ClinVar variation 3245755 (VCV003245755.1).